The following is an entry in ClinVar:

ClinVar aggregate classification (germline): Likely benign. Review status: criteria provided, multiple submitters, no conflicts (2 of 4 stars). 3 submissions from 3 submitters: Likely benign (3). Last evaluated 2026-06-01.

Allele frequency attached by ClinVar (database versions not stated): gnomAD 0.00009 and 0.00011; TOPMed 0.00014; 1000 Genomes Project 30x 0.00016; gnomAD exomes 0.00019 and 0.00033; 1000 Genomes Project 0.00020; ExAC 0.00026; ESP Exome Variant Server 0.00033.
gnomAD v4.1: 484 of 1,606,714 alleles (0.03%); highest among the groups gnomAD compares: Non-Finnish European, 0.039%; no homozygotes.

Submissions (3):

CeGaT Center for Human Genetics Tuebingen
Classification: Likely benign. Last evaluated: 2026-06-01. Review status: criteria provided, single submitter. Criteria: CeGaT Center For Human Genetics Tuebingen Variant Classification Criteria Version 2. Collection method: clinical testing. Allele origin: germline. Affected: yes. Observed: 2 variant alleles.
Comment: PROM1: BP4, BP7

Labcorp Genetics (formerly Invitae), Labcorp
Classification: Likely benign. Last evaluated: 2025-08-13. Review status: criteria provided, single submitter. Criteria: Invitae Variant Classification Sherloc (09022015). Collection method: clinical testing. Allele origin: germline.

Blueprint Genetics
Classification: Likely benign. Last evaluated: 2024-05-10. Review status: criteria provided, single submitter. Criteria: ACMG Guidelines, 2015. Collection method: clinical testing. Allele origin: germline.

NM_006017.3(PROM1):c.2319C>T (p.Thr773=)

Gene: PROM1 (prominin 1; minus strand). Cytogenetic location: 4p15.32.
Variant type: single nucleotide variant.
Coding change: c.2319C>T on transcript NM_006017.3 (MANE Select); coding-DNA position 2319, C replaced by T.
Protein change: p.Thr773=; no amino-acid change (threonine 773 retained).
Molecular consequence: synonymous variant.
Genome position (GRCh38, 1-based): chr4:15,984,317, G>A on the plus strand (C>T on the coding strand, the complement: PROM1 is on the minus strand). VCF-style: chr4-15984317-G-A. GRCh37 (hg19) VCF-style: chr4-15985940-G-A.
Other names: c.2292C>T, p.Thr764= (NM_001145847.2, NM_001145848.2, NM_001145851.2 and 4 more transcripts); c.2319C>T, p.Thr773= (NM_001145849.2, NM_001145850.2).
Identifiers: ClinVar variation 425330 (VCV000425330.54), dbSNP rs185335345, ClinGen allele CA2866425.